The following is an entry in ClinVar:

NM_000361.3(THBD):c.1688T>A (p.Leu563Gln)

Gene: THBD (thrombomodulin; minus strand). Cytogenetic location: 20p11.21.
Variant type: single nucleotide variant.
Coding change: c.1688T>A on transcript NM_000361.3 (MANE Select); coding-DNA position 1688, T replaced by A.
Protein change: p.Leu563Gln; replaces leucine 563 with glutamine.
Molecular consequence: missense variant.
Genome position (GRCh38, 1-based): chr20:23,047,817, A>T on the plus strand (T>A on the coding strand, the complement: THBD is on the minus strand). VCF-style: chr20-23047817-A-T. GRCh37 (hg19) VCF-style: chr20-23028454-A-T.
Other names: short protein forms L563Q.
Identifiers: ClinVar variation 4280584 (VCV004280584.1).

ClinVar aggregate classification (germline): Uncertain significance (1 of 4 stars; one submission).

Conditions:
Thrombomodulin-related bleeding disorder (THPH12). Also called: Thrombophilia due to thrombomodulin defect. Identifiers: Orphanet 436169, MedGen C3280976, MONDO:0013775, OMIM 614486.

gnomAD v4.1: 9 of 1,598,728 alleles (0.00056%); highest among the groups gnomAD compares: South Asian, 0.0011%; no homozygotes.

Submission:

Genomenon, Inc
Classification: Uncertain significance for Thrombomodulin-related bleeding disorder. Last evaluated: 2025-09-22. Review status: criteria provided, single submitter. Criteria: Genomenon Sequence Variant Interpretation Standards - Updated. Collection method: curation. Allele origin: germline. Affected: no.
Comment: THBD p.Leu563Gln (c.1688T>A) is a missense variant that changes the amino acid at residue 563 from Leucine to Glutamine. This variant has been reported in the published literature (PMID:34970867). It is absent or not present at a significant frequency in gnomAD. In silico models agree that this variant is possibly or probably damaging. In conclusion, we classify THBD p.Leu563Gln (c.1688T>A) as a variant of unknown significance.

Literature cited by the submitters: PubMed 34970867.